The following is an entry in ClinVar:

NM_006662.3(SRCAP):c.5461delinsAGA (p.Ser1821fs)

Gene: SRCAP (Snf2 related CREBBP activator protein; plus strand). Cytogenetic location: 16p11.2.
Variant type: Indel.
Coding change: c.5461delinsAGA on transcript NM_006662.3 (MANE Select); coding-DNA position 5461, T replaced by AGA.
Protein change: p.Ser1821fs; shifts the reading frame from serine 1821.
Molecular consequence: frameshift variant.
Genome position (GRCh38, 1-based): chr16:30,724,885, T replaced by AGA. VCF-style: chr16-30724885-T-AGA. GRCh37 (hg19) VCF-style: chr16-30736206-T-AGA.
Other names: short protein forms S1821fs.
Identifiers: ClinVar variation 503868 (VCV000503868.5), dbSNP rs1555464955, ClinGen allele CA658798592.

ClinVar aggregate classification (germline): Uncertain significance. Review status: criteria provided, single submitter (1 of 4 stars). 2 submissions from 2 submitters: Uncertain significance (1). 1 of the submissions does not count toward it. Last evaluated 2017-11-22.

Conditions:
Neurodevelopmental disorder. Identifiers: MedGen C1535926, MeSH D065886, MONDO:0700092.

Submissions (2):

GeneDx
Classification: Uncertain significance. Last evaluated: 2017-11-22. Review status: criteria provided, single submitter. Criteria: GeneDx Variant Classification (06012015). Collection method: clinical testing. Allele origin: germline. Affected: yes.
Comment: The c.5461delTinsAGA variant in the SRCAP gene has not been reported previously as a pathogenic variant nor as a benign variant, to our knowledge. The c.5461delTinsAGA variant causes a frameshift starting with codon Serine 1821, changes this amino acid to an Arginine residue, and creates a premature Stop codon at position 32 of the new reading frame, denoted p.Ser1821ArgfsX32. This variant is predicted to cause loss of normal protein function either through protein truncation or nonsense-mediated mRNA decay. However, this variant is located in exon 25 and variants associated with Floating-Harbor syndrome are primarily located in the last exon (exon 34) (Seifert et al., 2014; Hood et al., 2012). The c.5461delTinsAGA variant is not observed in large population cohorts (Lek et al., 2016). We interpret c.5461delTinsAGA as a variant of uncertain significance.

Joint Genome Diagnostic Labs from Nijmegen and Maastricht, Radboudumc and MUMC+
Classification: Likely pathogenic for Neurodevelopmental disorder. Last evaluated: 2021-01-10. Review status: no assertion criteria provided. Collection method: research. Allele origin: de novo. Affected: yes. Not counted in ClinVar's aggregate classification.

Literature cited by the submitters: PubMed 33909990 (cited by Joint Genome Diagnostic Labs from Nijmegen and Maastricht, Radboudumc and MUMC+).